The following is an entry in ClinVar:

ClinVar aggregate classification (germline): Likely benign (0 of 4 stars; one submission).

Conditions:
KCNJ12-related disorder. Also called: KCNJ12-related condition.

Allele frequency attached by ClinVar (database versions not stated): ESP Exome Variant Server 0.00008; gnomAD 0.00017; 1000 Genomes Project 0.00020; gnomAD exomes 0.00020; ExAC 0.00059.
gnomAD v4.1: 325 of 1,609,114 alleles (0.02%); highest among the groups gnomAD compares: Non-Finnish European, 0.023%; no homozygotes.

Submission:

PreventionGenetics, part of Exact Sciences
Classification: Likely benign for KCNJ12-related condition. Last evaluated: 2019-09-18. Review status: no assertion criteria provided. Collection method: clinical testing. Allele origin: germline.
Comment: This variant is classified as likely benign based on ACMG/AMP sequence variant interpretation guidelines (Richards et al. 2015 PMID: 25741868, with internal and published modifications).

NM_021012.5(KCNJ12):c.714C>T (p.Thr238=)

Gene: KCNJ12 (potassium inwardly rectifying channel subfamily J member 12; plus strand). Cytogenetic location: 17p11.2.
Variant type: single nucleotide variant.
Coding change: c.714C>T on transcript NM_021012.5 (MANE Select); coding-DNA position 714, C replaced by T.
Protein change: p.Thr238=; no amino-acid change (threonine 238 retained).
Molecular consequence: synonymous variant.
Genome position (GRCh38, 1-based): chr17:21,416,056, C>T. VCF-style: chr17-21416056-C-T. GRCh37 (hg19) VCF-style: chr17-21319368-C-T.
Identifiers: ClinVar variation 3040161 (VCV003040161.2), dbSNP rs374137921, ClinGen allele CA8451251.